The following is an entry in ClinVar:

ClinVar aggregate classification (germline): Benign (1 of 4 stars; one submission).

Conditions:
Diabetes insipidus, nephrogenic, autosomal (NDI2). Also called: Nephrogenic Diabetes Insipidus, Type II; Diabetes insipidus, nephrogenic, 2, autosomal. Identifiers: Orphanet 223, MedGen C1563706, MONDO:0007451, OMIM 125800.

Allele frequency attached by ClinVar (database versions not stated): gnomAD 0.00005 and 0.00133; TOPMed 0.00025; 1000 Genomes Project 30x 0.00937; 1000 Genomes Project 0.00998.
gnomAD v4.1: 200 of 152,708 alleles (0.13%); highest among the groups gnomAD compares: South Asian, 4%; 1 homozygote.

Submission:

Illumina Laboratory Services, Illumina
Classification: Benign for Diabetes insipidus, nephrogenic, autosomal. Last evaluated: 2018-01-13. Review status: criteria provided, single submitter. Criteria: ICSL Variant Classification Criteria 13 December 2019. Collection method: clinical testing. Allele origin: germline.
Comment: This variant was observed in the ICSL laboratory as part of a predisposition screen in an ostensibly healthy population. It had not been previously curated by ICSL or reported in the Human Gene Mutation Database (HGMD: prior to June 1st, 2018), and was therefore a candidate for classification through an automated scoring system. Utilizing variant allele frequency, disease prevalence and penetrance estimates, and inheritance mode, an automated score was calculated to assess if this variant is too frequent to cause the disease. Based on the score and internal cut-off values, a variant classified as benign is not then subjected to further curation. The score for this variant resulted in a classification of benign for this disease.

NM_000486.6(AQP2):c.*1218T>C

Genes: AQP2 (aquaporin 2; plus strand), AQP5-AS1 (AQP5 and AQP2 antisense RNA 2; minus strand). Cytogenetic location: 12q13.12.
Variant type: single nucleotide variant.
Coding change: c.*1218T>C on transcript NM_000486.6 (MANE Select); 1218 bases downstream of the stop codon, T replaced by C.
Molecular consequence: 3 prime UTR variant.
Genome position (GRCh38, 1-based): chr12:49,956,826, T>C. VCF-style: chr12-49956826-T-C. GRCh37 (hg19) VCF-style: chr12-50350609-T-C.
Identifiers: ClinVar variation 309251 (VCV000309251.5), dbSNP rs376984675, ClinGen allele CA10633044.